The following is an entry in ClinVar:

ClinVar aggregate classification (germline): Likely pathogenic (1 of 4 stars; one submission).

Conditions:
Hereditary factor VIII deficiency disease (HEMA). Also called: AUTOSOMAL HEMOPHILIA A; Hemophilia A, congenital; HEM A; Factor 8 deficiency, congenital; HEMOPHILIA, CLASSIC; Hemophilia A. Identifiers: Orphanet 98878, MedGen C0019069, MONDO:0010602, OMIM 306700.

Allele frequency attached by ClinVar (database versions not stated): TOPMed 0.00002.

Submission:

ARUP Laboratories, Molecular Genetics and Genomics, ARUP Laboratories
Classification: Likely pathogenic for Hereditary factor VIII deficiency disease. Last evaluated: 2019-08-29. Review status: criteria provided, single submitter. Criteria: ARUP Molecular Germline Variant Investigation Process. Collection method: clinical testing. Allele origin: germline.
Comment: The F8 c.6697G>T; p.Gly2233Trp variant is reported in the literature in several individuals with mild hemophilia A and factor VIII activity measured between 18% and 44% of normal (Factor VIII database and references therein). This variant is absent from general population databases (Exome Variant Server, Genome Aggregation Database), indicating it is not a common polymorphism. The glycine at codon 2233 is highly conserved and computational analyses (SIFT, PolyPhen-2) predict that this variant is deleterious. Based on available information, this variant is considered to be likely pathogenic. REFERENCES Factor VIII database

NM_000132.4(F8):c.6697G>T (p.Gly2233Trp)

Gene: F8 (coagulation factor VIII; minus strand). Cytogenetic location: Xq28.
Variant type: single nucleotide variant.
Coding change: c.6697G>T on transcript NM_000132.4 (MANE Select); coding-DNA position 6697, G replaced by T.
Protein change: p.Gly2233Trp; replaces glycine 2233 with tryptophan.
Molecular consequence: missense variant.
Genome position (GRCh38, 1-based): chrX:154,861,744, C>A on the plus strand (G>T on the coding strand, the complement: F8 is on the minus strand). VCF-style: chrX-154861744-C-A. GRCh37 (hg19) VCF-style: chrX-154090019-C-A.
Other names: c.292G>T, p.Gly98Trp (NM_019863.3); short protein forms G2233W, G98W.
Identifiers: ClinVar variation 995657 (VCV000995657.8), dbSNP rs2072692745, ClinGen allele CA414905306.